The following is an entry in ClinVar:

NM_194255.4(SLC19A1):c.124C>A (p.Arg42=)

Gene: SLC19A1 (solute carrier family 19 member 1; minus strand). Cytogenetic location: 21q22.3.
Variant type: single nucleotide variant.
Coding change: c.124C>A on transcript NM_194255.4 (MANE Select); coding-DNA position 124, C replaced by A.
Protein change: p.Arg42=; no amino-acid change (arginine 42 retained).
Molecular consequence: synonymous variant. On other transcripts: 5 prime UTR variant (1).
Genome position (GRCh38, 1-based): chr21:45,537,836, G>T on the plus strand (C>A on the coding strand, the complement: SLC19A1 is on the minus strand). VCF-style: chr21-45537836-G-T. GRCh37 (hg19) VCF-style: chr21-46957750-G-T.
Other names: c.124C>A, p.Arg42= (NM_001205206.4, NM_001352511.3, NM_001352512.2); c.-235C>A (NM_001352510.2).
Identifiers: ClinVar variation 3047416 (VCV003047416.2), dbSNP rs930466223, ClinGen allele CA512699287.

ClinVar aggregate classification (germline): Likely benign (0 of 4 stars; one submission).

Conditions:
SLC19A1-related disorder. Also called: SLC19A1-related condition.

gnomAD v4.1: 1 of 1,606,838 alleles (0.000062%); highest among the groups gnomAD compares: Middle Eastern, 0.017%; no homozygotes.

Submission:

PreventionGenetics, part of Exact Sciences
Classification: Likely benign for SLC19A1-related condition. Last evaluated: 2019-03-12. Review status: no assertion criteria provided. Collection method: clinical testing. Allele origin: germline.
Comment: This variant is classified as likely benign based on ACMG/AMP sequence variant interpretation guidelines (Richards et al. 2015 PMID: 25741868, with internal and published modifications).